The following is an entry in ClinVar:

ClinVar aggregate classification (germline): Pathogenic (1 of 4 stars; one submission).

Conditions:
Cohen syndrome (COH1). Also called: PEPPER SYNDROME; Cutis verticis gyrata, retinitis pigmentosa, and sensorineural deafness. Identifiers: Orphanet 193, MedGen C0265223, MONDO:0008999, OMIM 216550.

Submission:

Labcorp Genetics (formerly Invitae), Labcorp
Classification: Pathogenic for Cohen syndrome. Last evaluated: 2022-02-04. Review status: criteria provided, single submitter. Criteria: Invitae Variant Classification Sherloc (09022015). Collection method: clinical testing. Allele origin: germline.
Comment: This variant has not been reported in the literature in individuals affected with VPS13B-related conditions. This variant is not present in population databases (gnomAD no frequency). This sequence change creates a premature translational stop signal (p.Ser2795*) in the VPS13B gene. It is expected to result in an absent or disrupted protein product. Loss-of-function variants in VPS13B are known to be pathogenic (PMID: 15141358, 16648375, 20461111). For these reasons, this variant has been classified as Pathogenic.

Literature cited by the submitters: PubMed 15141358; PubMed 16648375; PubMed 20461111.

NM_152564.5(VPS13B):c.8309C>G (p.Ser2770Ter)

Gene: VPS13B (vacuolar protein sorting 13 homolog B; plus strand). Cytogenetic location: 8q22.2.
Variant type: single nucleotide variant.
Coding change: c.8309C>G on transcript NM_152564.5 (MANE Select); coding-DNA position 8309, C replaced by G.
Protein change: p.Ser2770Ter; replaces serine 2770 with a stop codon.
Molecular consequence: nonsense.
Genome position (GRCh38, 1-based): chr8:99,817,751, C>G. VCF-style: chr8-99817751-C-G. GRCh37 (hg19) VCF-style: chr8-100829979-C-G.
Other names: c.8384C>G, p.Ser2795Ter (NM_017890.5); short protein forms S2795*, S2770*.
Identifiers: ClinVar variation 2043351 (VCV002043351.4), dbSNP rs1563488907, ClinGen allele CA371773293.